The following is an entry in ClinVar:

ClinVar aggregate classification (germline): Likely benign. Review status: criteria provided, multiple submitters, no conflicts (2 of 4 stars). 3 submissions from 3 submitters: Likely benign (3). Last evaluated 2025-04-29.

Conditions:
Hereditary cancer-predisposing syndrome. Also called: Hereditary Cancer Syndrome; Hereditary neoplastic syndrome; Neoplastic Syndromes, Hereditary; Tumor predisposition. Identifiers: Orphanet 140162, MedGen C0027672, MeSH D009386, MONDO:0015356.

gnomAD v4.1: 1 of 1,609,646 alleles (0.000062%); highest among the groups gnomAD compares: Non-Finnish European, 0.000085%; no homozygotes.

Submissions (3):

Labcorp Genetics (formerly Invitae), Labcorp
Classification: Likely benign. Last evaluated: 2025-04-29. Review status: criteria provided, single submitter. Criteria: Invitae Variant Classification Sherloc (09022015). Collection method: clinical testing. Allele origin: germline.

Ambry Genetics
Classification: Likely benign for Hereditary cancer-predisposing syndrome. Last evaluated: 2019-02-04. Review status: criteria provided, single submitter. Criteria: Ambry Variant Classification Scheme 2023. Collection method: clinical testing. Allele origin: germline.

GeneDx
Classification: Likely benign. Last evaluated: 2016-03-30. Review status: criteria provided, single submitter. Criteria: GeneDx Variant Classification (06012015). Collection method: clinical testing. Allele origin: germline. Affected: yes.
Comment: This variant is considered likely benign or benign based on one or more of the following criteria: it is a conservative change, it occurs at a poorly conserved position in the protein, it is predicted to be benign by multiple in silico algorithms, and/or has population frequency not consistent with disease.

NM_006231.4(POLE):c.6021G>T (p.Val2007=)

Gene: POLE (DNA polymerase epsilon, catalytic subunit; minus strand). Cytogenetic location: 12q24.33.
Variant type: single nucleotide variant.
Coding change: c.6021G>T on transcript NM_006231.4 (MANE Select); coding-DNA position 6021, G replaced by T.
Protein change: p.Val2007=; no amino-acid change (valine 2007 retained).
Molecular consequence: synonymous variant.
Genome position (GRCh38, 1-based): chr12:132,632,779, C>A on the plus strand (G>T on the coding strand, the complement: POLE is on the minus strand). VCF-style: chr12-132632779-C-A. GRCh37 (hg19) VCF-style: chr12-133209365-C-A.
Identifiers: ClinVar variation 385289 (VCV000385289.14), dbSNP rs1057522175, ClinGen allele CA16606125.
Genomic context (GRCh38, chr12:132,632,779, plus strand): 5'-CCTCCTCACGGGGGTGCTCCCTGGAGCACTGCGCCTCAGCCCGTCCTTCATGCAGTGGTA[C>A]ACGGCCACGATGTACGCTGTGGAGAGGCACACACACCACAGGCCCTGAGTCGGGCTGCTG-3'
Protein context (NP_006222.2, residues 1997-2017): LMIVSAYIVA[Val2007=]YHCMKDGLRR